The following is an entry in ClinVar:

NM_001097577.3(ANG):c.3G>A (p.Met1Ile)

Genes: ANG (angiogenin; plus strand), EGILA (EGFR interacting lncRNA; minus strand), RNASE4 (ribonuclease A family member 4; plus strand). Cytogenetic location: 14q11.2.
Variant type: single nucleotide variant.
Coding change: c.3G>A on transcript NM_001097577.3 (MANE Select); coding-DNA position 3, G replaced by A.
Protein change: p.Met1Ile; changes the start codon (methionine 1).
Molecular consequence: missense variant, initiator codon variant. On other transcripts: non-coding transcript variant (1), 5 prime UTR variant (1), intron variant (3).
Genome position (GRCh38, 1-based): chr14:20,693,567, G>A. VCF-style: chr14-20693567-G-A. GRCh37 (hg19) VCF-style: chr14-21161726-G-A.
Other names: p.Met1?; c.3G>A, p.Met1Ile (NM_001145.4, NM_001385271.1, NM_001385272.1 and 2 more transcripts); c.-101G>A (NM_001282192.2); c.-17-5788G>A (NM_002937.5, NM_001282193.2); c.-18+4693G>A (NM_194431.3); short protein forms M1I.
Identifiers: ClinVar variation 807060 (VCV000807060.56), dbSNP rs201068740, ClinGen allele CA7083113.

ClinVar aggregate classification (germline): Conflicting classifications of pathogenicity. Review status: criteria provided, conflicting classifications (1 of 4 stars). 8 submissions from 8 submitters: Uncertain significance (7); Likely benign (1). Last evaluated 2026-05-01.

Conditions:
ANG-related disorder. Also called: ANG-related condition.
Amyotrophic lateral sclerosis type 10 (ALS10). Also called: AMYOTROPHIC LATERAL SCLEROSIS 10 WITHOUT FRONTOTEMPORAL DEMENTIA AND WITH TDP43 INCLUSIONS; AMYOTROPHIC LATERAL SCLEROSIS 10 WITH OR WITHOUT FRONTOTEMPORAL DEMENTIA AND WITH TDP43 INCLUSIONS; AMYOTROPHIC LATERAL SCLEROSIS 10 WITH OR WITHOUT FRONTOTEMPORAL DEMENTIA; TARDBP-Related Amyotrophic Lateral Sclerosis-Frontotemporal Dementia; Amyotrophic lateral sclerosis 10, with or without FTD. Identifiers: Orphanet 275872, Orphanet 803, MedGen C2677565, MONDO:0012790, OMIM 612069.
Amyotrophic lateral sclerosis type 9 (ALS9). Identifiers: Orphanet 803, MedGen C2678468, MONDO:0012753, OMIM 611895.

Allele frequency attached by ClinVar (database versions not stated): gnomAD exomes 0.00016 and 0.00022; gnomAD 0.00019 and 0.00020; TOPMed 0.00019; ExAC 0.00020.
gnomAD v4.1: 263 of 1,612,246 alleles (0.016%); highest among the groups gnomAD compares: Non-Finnish European, 0.019%; no homozygotes.

Submissions (8):

CeGaT Center for Human Genetics Tuebingen
Classification: Uncertain significance. Last evaluated: 2026-05-01. Review status: criteria provided, single submitter. Criteria: CeGaT Center For Human Genetics Tuebingen Variant Classification Criteria Version 2. Collection method: clinical testing. Allele origin: germline. Affected: yes. Observed: 5 variant alleles.

PreventionGenetics, part of Exact Sciences
Classification: Uncertain significance for ANG-related condition. Last evaluated: 2026-03-04. Review status: criteria provided, single submitter. Criteria: ACMG Guidelines, 2015. Collection method: clinical testing. Allele origin: germline.
Comment: The ANG c.3G>A variant is predicted to disrupt the translation initiation site (Start Loss). This variant, which is located in the signal peptide region and has been previously described in the literature as Met-24Ile, has been reported in patients with amyotrophic lateral sclerosis (ALS), Parkinson disease/parkinsonism, or frontotemporal dementia (Conforti et al. 2008. PubMed ID: 17703939; Gellera et al. 2008. PubMed ID: 18087731; van Es et al. 2011. PubMed ID: 22190368; Marjanović et al. 2017. PubMed ID: 28444446; Ungaro et al. 2020. PubMed ID: 32951934). To our knowledge, functional studies have not been performed to determine the biological relevance of this variant. This variant is reported in 0.097% of alleles in individuals of Ashkenazi Jewish descent, and 0.022% overall in gnomAD, which may be too common to be a primary cause of disease. At this time, the clinical significance of this variant is uncertain due to the absence of conclusive functional and genetic evidence.

Labcorp Genetics (formerly Invitae), Labcorp
Classification: Likely benign. Last evaluated: 2025-12-02. Review status: criteria provided, single submitter. Criteria: Invitae Variant Classification Sherloc (09022015). Collection method: clinical testing. Allele origin: germline.

Women's Health and Genetics/Laboratory Corporation of America, LabCorp
Classification: Uncertain significance. Last evaluated: 2025-11-28. Review status: criteria provided, single submitter. Criteria: LabCorp Variant Classification Summary - May 2015. Collection method: clinical testing. Allele origin: germline.
Comment: Variant summary: ANG c.3G>A (p.Met1Ile) alters the initiation codon and is predicted to result either in absence of the protein or truncation of the encoded protein due to translation initiation at a downstream codon. The variant allele was found at a frequency of 0.00022 in 250014 control chromosomes. This frequency is not significantly higher than estimated for disease-causing variants in ANG, allowing no conclusion about variant significance. c.3G>A, which is located in the signal peptide region, has been reported as M(-24)I and is reported to be observed in individual(s) affected with sporadic Amyotrophic Lateral Sclerosis and Parkinson Disease without family history or evidence for co-segregation/association with disease (example, Conforti_2008, van Es_2011, Marjanovic_2017, Ungaro_2021). These report(s) do not provide unequivocal conclusions about association of the variant with Amyotrophic Lateral Sclerosis Type 9. To our knowledge, no experimental evidence demonstrating an impact on protein function has been reported. The following publications have been ascertained in the context of this evaluation (PMID: 17703939, 28444446, 32951934, 22190368). ClinVar contains an entry for this variant (Variation ID: 807060). Based on the evidence outlined above, the variant was classified as uncertain significance.

Mayo Clinic Laboratories, Mayo Clinic
Classification: Uncertain significance. Last evaluated: 2025-04-30. Review status: criteria provided, single submitter. Criteria: ACMG Guidelines, 2015. Collection method: clinical testing. Allele origin: germline. Observed: 1 variant allele.
Comment: BS2

Human Genetics Bochum, Ruhr University Bochum
Classification: Uncertain significance for Amyotrophic lateral sclerosis type 10. Last evaluated: 2022-10-21. Review status: criteria provided, single submitter. Criteria: ACMG Guidelines, 2015. Collection method: clinical testing. Allele origin: germline. Affected: yes.
Comment: ACMG criteria used to clasify this variant: PVS1, PM2

GeneDx
Classification: Uncertain significance. Last evaluated: 2020-08-28. Review status: criteria provided, single submitter. Criteria: GeneDx Variant Classification Process June 2021. Collection method: clinical testing. Allele origin: germline. Affected: yes.
Comment: Previously identified in individuals with PD, ALS and/or FTLD; one of these individuals who was heterozygous for c.3G>T, which also leads to an M1? varinat, also harbored a pathogenic variant in the SOD1 gene (van Es, et al., 2011; Conforti, et al., 2008; Gellera et al., 2008; Tripolszki et al., 2019); Variant is located within the signal peptide and affecting the start codon, which may influence the correct translation of the protein; ; however, in the absence of RNA/functional studies, the actual effect of this sequence change in this individual is unknown. .; This variant is associated with the following publications: (PMID: 22190368, 17703939, 28444446, 18087731, 31025543)

Illumina Laboratory Services, Illumina
Classification: Uncertain significance for Amyotrophic lateral sclerosis type 9. Last evaluated: 2017-04-27. Review status: criteria provided, single submitter. Criteria: ICSL Variant Classification Criteria 13 December 2019. Collection method: clinical testing. Allele origin: germline.
Comment: This variant was observed as part of a predisposition screen in an ostensibly healthy population. A literature search was performed for the gene, cDNA change, and amino acid change (where applicable). Publications were found based on this search. However, the evidence from the literature, in combination with allele frequency data from public databases where available, was not sufficient to rule this variant in or out of causing disease. Therefore, this variant is classified as a variant of unknown significance.

Literature cited by the submitters: PubMed 17703939 (cited by 3 submitters); PubMed 28444446 (cited by Women's Health and Genetics/Laboratory Corporation of America, LabCorp and Mayo Clinic Laboratories, Mayo Clinic); PubMed 32951934 (cited by Women's Health and Genetics/Laboratory Corporation of America, LabCorp and Mayo Clinic Laboratories, Mayo Clinic); PubMed 22190368 (cited by 3 submitters); PubMed 18087731 (cited by Illumina Laboratory Services, Illumina).